The following is an entry in ClinVar:

ClinVar aggregate classification (germline): Uncertain significance (1 of 4 stars; one submission).

Conditions:
Succinate-semialdehyde dehydrogenase deficiency (SSADHD). Also called: Succinic Semialdehyde Dehydrogenase Deficiency; SSADH DEFICIENCY; 4-HYDROXYBUTYRIC ACIDURIA; GABA METABOLIC DEFECT. Identifiers: Orphanet 22, MedGen C0268631, MONDO:0010083, OMIM 271980.

gnomAD v4.1: 1 of 1,614,014 alleles (0.000062%); highest among the groups gnomAD compares: Non-Finnish European, 0.000085%; no homozygotes.

Submission:

Labcorp Genetics (formerly Invitae), Labcorp
Classification: Uncertain significance for Succinate-semialdehyde dehydrogenase deficiency. Last evaluated: 2021-09-05. Review status: criteria provided, single submitter. Criteria: Invitae Variant Classification Sherloc (09022015). Collection method: clinical testing. Allele origin: germline.
Comment: In summary, the available evidence is currently insufficient to determine the role of this variant in disease. Therefore, it has been classified as a Variant of Uncertain Significance. Advanced modeling of protein sequence and biophysical properties (such as structural, functional, and spatial information, amino acid conservation, physicochemical variation, residue mobility, and thermodynamic stability) performed at Invitae indicates that this missense variant is not expected to disrupt ALDH5A1 protein function. This variant has not been reported in the literature in individuals affected with ALDH5A1-related conditions. This variant is not present in population databases (ExAC no frequency). This sequence change replaces phenylalanine with leucine at codon 360 of the ALDH5A1 protein (p.Phe360Leu). The phenylalanine residue is moderately conserved and there is a small physicochemical difference between phenylalanine and leucine.

NM_001080.3(ALDH5A1):c.1080C>G (p.Phe360Leu)

Gene: ALDH5A1 (aldehyde dehydrogenase 5 family member A1; plus strand). Cytogenetic location: 6p22.3.
Variant type: single nucleotide variant.
Coding change: c.1080C>G on transcript NM_001080.3 (MANE Select); coding-DNA position 1080, C replaced by G.
Protein change: p.Phe360Leu; replaces phenylalanine 360 with leucine.
Molecular consequence: missense variant.
Genome position (GRCh38, 1-based): chr6:24,522,832, C>G. VCF-style: chr6-24522832-C-G. GRCh37 (hg19) VCF-style: chr6-24523060-C-G.
Other names: c.936C>G, p.Phe312Leu (NM_001368954.1); c.1119C>G, p.Phe373Leu (NM_170740.1); short protein forms F373L, F360L, F312L.
Identifiers: ClinVar variation 1503488 (VCV001503488.5), dbSNP rs571602201, ClinGen allele CA362976142.